The following is an entry in ClinVar:

ClinVar aggregate classification (germline): Uncertain significance (1 of 4 stars; one submission).

Conditions:
Rolandic epilepsy, impaired intellectual development, and speech dyspraxia, X-linked. Also called: Rolandic epilepsy, impaired intellectual development, and speech dyspraxia; Rolandic epilepsy, intellectual disability, and speech dyspraxia, X-linked. Identifiers: MedGen C1845070, MONDO:0010388, OMIM 300643.

Allele frequency attached by ClinVar (database versions not stated): gnomAD exomes 0.00002 and 0.00001; TOPMed 0.00002; gnomAD 0.00003.
gnomAD v4.1: 20 of 1,209,443 alleles (0.0017%); highest among the groups gnomAD compares: Non-Finnish European, 0.0022%; no homozygotes.

Submission:

Labcorp Genetics (formerly Invitae), Labcorp
Classification: Uncertain significance for Rolandic epilepsy, impaired intellectual development, and speech dyspraxia, X-linked. Last evaluated: 2022-11-01. Review status: criteria provided, single submitter. Criteria: Invitae Variant Classification Sherloc (09022015). Collection method: clinical testing. Allele origin: germline.
Comment: This variant has not been reported in the literature in individuals affected with SRPX2-related conditions. ClinVar contains an entry for this variant (Variation ID: 1044918). Algorithms developed to predict the effect of missense changes on protein structure and function (SIFT, PolyPhen-2, Align-GVGD) all suggest that this variant is likely to be disruptive. In summary, the available evidence is currently insufficient to determine the role of this variant in disease. Therefore, it has been classified as a Variant of Uncertain Significance. This variant is present in population databases (rs757158053, gnomAD 0.002%). This sequence change replaces arginine, which is basic and polar, with cysteine, which is neutral and slightly polar, at codon 430 of the SRPX2 protein (p.Arg430Cys).

NM_014467.3(SRPX2):c.1288C>T (p.Arg430Cys)

Gene: SRPX2 (sushi repeat containing protein X-linked 2; plus strand). Cytogenetic location: Xq22.1.
Variant type: single nucleotide variant.
Coding change: c.1288C>T on transcript NM_014467.3 (MANE Select); coding-DNA position 1288, C replaced by T.
Protein change: p.Arg430Cys; replaces arginine 430 with cysteine.
Molecular consequence: missense variant.
Genome position (GRCh38, 1-based): chrX:100,670,877, C>T. VCF-style: chrX-100670877-C-T. GRCh37 (hg19) VCF-style: chrX-99925874-C-T.
Other names: short protein forms R430C.
Identifiers: ClinVar variation 1044918 (VCV001044918.9), dbSNP rs757158053, ClinGen allele CA333058592.